The following is an entry in ClinVar:

NM_000257.4(MYH7):c.3843A>T (p.Gln1281His)

Gene: MYH7 (myosin heavy chain 7; minus strand). Cytogenetic location: 14q11.2.
Variant type: single nucleotide variant.
Coding change: c.3843A>T on transcript NM_000257.4 (MANE Select); coding-DNA position 3843, A replaced by T.
Protein change: p.Gln1281His; replaces glutamine 1281 with histidine.
Molecular consequence: missense variant.
Genome position (GRCh38, 1-based): chr14:23,419,493, T>A on the plus strand (A>T on the coding strand, the complement: MYH7 is on the minus strand). VCF-style: chr14-23419493-T-A. GRCh37 (hg19) VCF-style: chr14-23888702-T-A.
Other names: c.3843A>T, p.Gln1281His (NM_001407004.1); short protein forms Q1281H.
Identifiers: ClinVar variation 3075154 (VCV003075154.1), dbSNP rs1595077547, ClinGen allele CA389041897.

ClinVar aggregate classification (germline): Uncertain significance (1 of 4 stars; one submission).

Conditions:
Cardiomyopathy (CMYO). Also called: Cardiomyopathies. Identifiers: Orphanet 167848, MedGen C0878544, MONDO:0004994, HP:0001638. Inheritance: Various modes of inheritance.

gnomAD v4.1: 1 of 1,614,120 alleles (0.000062%); highest among the groups gnomAD compares: Non-Finnish European, 0.000085%; no homozygotes.

Submission:

All of Us Research Program, National Institutes of Health
Classification: Uncertain significance for Cardiomyopathy. Last evaluated: 2023-12-18. Review status: criteria provided, single submitter. Criteria: ACMG Guidelines, 2015. Collection method: clinical testing. Allele origin: germline. Inheritance: Autosomal dominant inheritance. Observed: 1 variant allele, 1 heterozygote.
Comment: This missense variant replaces glutamine with histidine at codon 1281 of the MYH7 protein. Computational prediction is inconclusive regarding the impact of this variant on protein structure and function (internally defined REVEL score threshold 0.5 < inconclusive < 0.7, PMID: 27666373). To our knowledge, functional studies have not been reported for this variant. This variant has not been reported in individuals affected with MYH7-related disorders in the literature. This variant has not been identified in the general population by the Genome Aggregation Database (gnomAD). The available evidence is insufficient to determine the role of this variant in disease conclusively. Therefore, this variant is classified as a Variant of Uncertain Significance.

This study involves interpretation of variants in research participants for the purpose of population health screening. Participant phenotype was not available at the time of variant classification. Additional details can be found in publication PMID: 35346344, PMCID: PMC8962531